The following is an entry in ClinVar:

NM_006329.4(FBLN5):c.484C>T (p.Leu162=)

Gene: FBLN5 (fibulin 5; minus strand). Cytogenetic location: 14q32.12.
Variant type: single nucleotide variant.
Coding change: c.484C>T on transcript NM_006329.4 (MANE Select); coding-DNA position 484, C replaced by T.
Protein change: p.Leu162=; no amino-acid change (leucine 162 retained).
Molecular consequence: synonymous variant.
Genome position (GRCh38, 1-based): chr14:91,894,968, G>A on the plus strand (C>T on the coding strand, the complement: FBLN5 is on the minus strand). VCF-style: chr14-91894968-G-A. GRCh37 (hg19) VCF-style: chr14-92361312-G-A.
Other names: c.484C>T (NM_006329.3); c.607C>T, p.Leu203= (NM_001384158.1); c.535C>T, p.Leu179= (NM_001384159.1); c.484C>T, p.Leu162= (NM_001384160.1); c.316C>T, p.Leu106= (NM_001384161.1, NM_001384162.1).
Identifiers: ClinVar variation 1593450 (VCV001593450.26), dbSNP rs1127849, ClinGen allele CA7312841.

ClinVar aggregate classification (germline): Likely benign. Review status: criteria provided, multiple submitters, no conflicts (2 of 4 stars). 4 submissions from 4 submitters: Likely benign (3). 1 of the submissions does not count toward it. Last evaluated 2025-12-09.

Conditions:
FBLN5-related disorder. Also called: FBLN5-related condition.

Allele frequency attached by ClinVar (database versions not stated): gnomAD exomes 0.00004 and 0.00012; ExAC 0.00007; gnomAD 0.00007; TOPMed 0.00008.
gnomAD v4.1: 181 of 1,613,972 alleles (0.011%); highest among the groups gnomAD compares: Non-Finnish European, 0.014%; no homozygotes.

Submissions (4):

Labcorp Genetics (formerly Invitae), Labcorp
Classification: Likely benign. Last evaluated: 2025-12-09. Review status: criteria provided, single submitter. Criteria: Invitae Variant Classification Sherloc (09022015). Collection method: clinical testing. Allele origin: germline.

Women's Health and Genetics/Laboratory Corporation of America, LabCorp
Classification: Likely benign. Last evaluated: 2025-03-12. Review status: criteria provided, single submitter. Criteria: LabCorp Variant Classification Summary - May 2015. Collection method: clinical testing. Allele origin: germline.

CeGaT Center for Human Genetics Tuebingen
Classification: Likely benign. Last evaluated: 2024-08-01. Review status: criteria provided, single submitter. Criteria: CeGaT Center For Human Genetics Tuebingen Variant Classification Criteria Version 2. Collection method: clinical testing. Allele origin: germline. Affected: yes. Observed: 1 variant allele.
Comment: FBLN5: BP4, BP7

PreventionGenetics, part of Exact Sciences
Classification: Likely benign for FBLN5-related condition. Last evaluated: 2022-05-11. Review status: no assertion criteria provided. Collection method: clinical testing. Allele origin: germline. Not counted in ClinVar's aggregate classification.
Comment: This variant is classified as likely benign based on ACMG/AMP sequence variant interpretation guidelines (Richards et al. 2015 PMID: 25741868, with internal and published modifications).